The following is an entry in ClinVar:

ClinVar aggregate classification (germline): Pathogenic. Review status: criteria provided, multiple submitters, no conflicts (2 of 4 stars). 2 submissions from 2 submitters: Pathogenic (2). Last evaluated 2019-09-18.

Conditions:
Hereditary breast ovarian cancer syndrome. Also called: Hereditary breast and ovarian cancer syndrome; Hereditary breast and ovarian cancer; Hereditary breast and ovarian cancer syndrome (HBOC); Breast and ovarian cancer; Hereditary breast and/or ovarian cancer syndrome; BRCA1- and BRCA2-Associated Hereditary Breast and Ovarian Cancer. Identifiers: Orphanet 145, MedGen C0677776, MeSH D061325, MONDO:0003582. Disease mechanism: loss of function.
Hereditary cancer-predisposing syndrome. Also called: Neoplastic Syndromes, Hereditary; Tumor predisposition; Hereditary neoplastic syndrome; Hereditary Cancer Syndrome. Identifiers: Orphanet 140162, MedGen C0027672, MeSH D009386, MONDO:0015356.

Submissions (2):

Ambry Genetics
Classification: Pathogenic for Hereditary cancer-predisposing syndrome. Last evaluated: 2019-09-18. Review status: criteria provided, single submitter. Criteria: Ambry Variant Classification Scheme 2023. Collection method: clinical testing. Allele origin: germline.
Comment: The c.7902_7903delGGinsTT pathogenic mutation, located in coding exon 16 of the BRCA2 gene, results from an in-frame deletion of GG and insertion of TT at nucleotide positions 7902 to 7903. This results in the substitution of the methionine and glutamic acid residues for an isoleucine and a stop codon at positions 2634 and 2635, respectively (p.M2634_E2635delinsI*). This alteration is expected to result in loss of function by premature protein truncation or nonsense-mediated mRNA decay. As such, this alteration is interpreted as a disease-causing mutation.

Labcorp Genetics (formerly Invitae), Labcorp
Classification: Pathogenic for Hereditary breast ovarian cancer syndrome. Last evaluated: 2019-05-31. Review status: criteria provided, single submitter. Criteria: Invitae Variant Classification Sherloc (09022015). Collection method: clinical testing. Allele origin: germline.
Comment: This sequence change creates a premature translational stop signal (p.Met2634_Glu2635delinsIle*) in the BRCA2 gene. It is expected to result in an absent or disrupted protein product. This variant is not present in population databases (ExAC no frequency). This variant has not been reported in the literature in individuals with BRCA2-related conditions. Loss-of-function variants in BRCA2 are known to be pathogenic (PMID: 20104584). For these reasons, this variant has been classified as Pathogenic.

Literature cited by the submitters: PubMed 20104584 (cited by Labcorp Genetics (formerly Invitae), Labcorp).

NM_000059.4(BRCA2):c.7902_7903delinsTT (p.Met2634_Glu2635delinsIleTer)

Gene: BRCA2 (BRCA2 DNA repair associated; plus strand). Cytogenetic location: 13q13.1.
Variant type: Indel.
Coding change: c.7902_7903delinsTT on transcript NM_000059.4 (MANE Select); coding-DNA positions 7902 to 7903, GG replaced by TT.
Protein change: p.Met2634_Glu2635delinsIleTer.
Molecular consequence: nonsense.
Genome position (GRCh38, 1-based): chr13:32,362,619-32,362,620, GG replaced by TT. VCF-style: chr13-32362619-GG-TT. GRCh37 (hg19) VCF-style: chr13-32936756-GG-TT.
Other names: c.7902_7903delinsTT (NM_000059.3).
Identifiers: ClinVar variation 827322 (VCV000827322.12), dbSNP rs1593924144, ClinGen allele CA915946882.